The following is an entry in ClinVar:

ClinVar aggregate classification (germline): Uncertain significance. Review status: criteria provided, multiple submitters, no conflicts (2 of 4 stars). 4 submissions from 4 submitters: Uncertain significance (3). 1 of the submissions does not count toward it. Last evaluated 2026-04-09.

Conditions:
CLRN1-related disorder. Also called: CLRN1-related condition.
Usher syndrome type 3. Also called: Usher Syndrome, Type III. Identifiers: Orphanet 231183, MedGen C1568248, MONDO:0016485.

Allele frequency attached by ClinVar (database versions not stated): gnomAD exomes 0.00004; ESP Exome Variant Server 0.00008; TOPMed 0.00002; ExAC 0.00003; gnomAD 0.00003 and 0.00004.
gnomAD v4.1: 175 of 1,613,892 alleles (0.011%); highest among the groups gnomAD compares: Non-Finnish European, 0.014%; 1 homozygote.

Submissions (4):

PreventionGenetics, part of Exact Sciences
Classification: Uncertain significance for CLRN1-related condition. Last evaluated: 2026-04-09. Review status: criteria provided, single submitter. Criteria: ACMG Guidelines, 2015. Collection method: clinical testing. Allele origin: germline.
Comment: The CLRN1 c.476C>T variant is predicted to result in the amino acid substitution p.Ser159Phe. To our knowledge, this variant has not been reported in the literature. This variant is reported in 0.0080% of alleles in individuals of European (Non-Finnish) descent in gnomAD. At this time, the clinical significance of this variant is uncertain due to the absence of conclusive functional and genetic evidence.

Labcorp Genetics (formerly Invitae), Labcorp
Classification: Uncertain significance. Last evaluated: 2025-03-17. Review status: criteria provided, single submitter. Criteria: Invitae Variant Classification Sherloc (09022015). Collection method: clinical testing. Allele origin: germline.
Comment: This sequence change replaces serine, which is neutral and polar, with phenylalanine, which is neutral and non-polar, at codon 146 of the CLRN1 protein (p.Ser146Phe). This variant is present in population databases (rs201625237, gnomAD 0.008%). This variant has not been reported in the literature in individuals affected with CLRN1-related conditions. ClinVar contains an entry for this variant (Variation ID: 850284). An algorithm developed to predict the effect of missense changes on protein structure and function (PolyPhen-2) suggests that this variant is likely to be disruptive. In summary, the available evidence is currently insufficient to determine the role of this variant in disease. Therefore, it has been classified as a Variant of Uncertain Significance.

Blueprint Genetics
Classification: Uncertain significance. Last evaluated: 2024-10-03. Review status: criteria provided, single submitter. Criteria: ACMG Guidelines, 2015. Collection method: clinical testing. Allele origin: germline.

Natera, Inc.
Classification: Uncertain significance for Usher syndrome type 3. Last evaluated: 2020-12-10. Review status: no assertion criteria provided. Collection method: clinical testing. Allele origin: germline. Not counted in ClinVar's aggregate classification.

NM_174878.3(CLRN1):c.437C>T (p.Ser146Phe)

Gene: CLRN1 (clarin 1; minus strand). Cytogenetic location: 3q25.1.
Variant type: single nucleotide variant.
Coding change: c.437C>T on transcript NM_174878.3 (MANE Select); coding-DNA position 437, C replaced by T.
Protein change: p.Ser146Phe; replaces serine 146 with phenylalanine.
Molecular consequence: missense variant. On other transcripts: 3 prime UTR variant (1), non-coding transcript variant (1).
Genome position (GRCh38, 1-based): chr3:150,928,198, G>A on the plus strand (C>T on the coding strand, the complement: CLRN1 is on the minus strand). VCF-style: chr3-150928198-G-A. GRCh37 (hg19) VCF-style: chr3-150645985-G-A.
Other names: c.476C>T, p.Ser159Phe (NM_001195794.1); c.*51C>T (NM_001256819.2); c.209C>T, p.Ser70Phe (NM_052995.2); short protein forms S159F, S70F, S146F.
Identifiers: ClinVar variation 850284 (VCV000850284.7), dbSNP rs201625237, ClinGen allele CA2666037.
Genomic context (GRCh38, chr3:150,928,198, plus strand): 5'-TCTGAGAGGTGATGGATTTTCACTTCAGAGGCAAACAATATCATGACAAGACAGCCACAG[G>A]AGCCTGCAACAGAAGAAACAAGGTGTTGGGACAAATATTTCCTGATTGTAAGGGACAGGG-3'
Protein context (NP_777367.1, residues 136-156): GLYLLSFISG[Ser146Phe]CGCLVMILFA